The following is an entry in ClinVar:

ClinVar aggregate classification (germline): Uncertain significance. Review status: criteria provided, multiple submitters, no conflicts (2 of 4 stars). 2 submissions from 2 submitters: Uncertain significance (2). Last evaluated 2025-08-11.

Conditions:
Inborn genetic diseases. Identifiers: MedGen C0950123, MeSH D030342.

gnomAD v4.1: 10 of 1,612,490 alleles (0.00062%); highest among the groups gnomAD compares: African/African-American, 0.0067%; no homozygotes.

Submissions (2):

Labcorp Genetics (formerly Invitae), Labcorp
Classification: Uncertain significance. Last evaluated: 2025-08-11. Review status: criteria provided, single submitter. Criteria: Invitae Variant Classification Sherloc (09022015). Collection method: clinical testing. Allele origin: germline.
Comment: This sequence change replaces tyrosine, which is neutral and polar, with cysteine, which is neutral and slightly polar, at codon 641 of the DLL1 protein (p.Tyr641Cys). The frequency data for this variant in the population databases is considered unreliable, as metrics indicate poor data quality at this position in the gnomAD database. This variant has not been reported in the literature in individuals affected with DLL1-related conditions. ClinVar contains an entry for this variant (Variation ID: 3272313). An algorithm developed to predict the effect of missense changes on protein structure and function outputs the following: PolyPhen-2: "Benign". The cysteine amino acid residue is found in multiple mammalian species, which suggests that this missense change does not adversely affect protein function. In summary, the available evidence is currently insufficient to determine the role of this variant in disease. Therefore, it has been classified as a Variant of Uncertain Significance.

Ambry Genetics
Classification: Uncertain significance for Inborn genetic diseases. Last evaluated: 2024-05-10. Review status: criteria provided, single submitter. Criteria: Ambry Variant Classification Scheme 2023. Collection method: clinical testing. Allele origin: germline.

NM_005618.4(DLL1):c.1922A>G (p.Tyr641Cys)

Gene: DLL1 (delta like canonical Notch ligand 1; minus strand). Cytogenetic location: 6q27.
Variant type: single nucleotide variant.
Coding change: c.1922A>G on transcript NM_005618.4 (MANE Select); coding-DNA position 1922, A replaced by G.
Protein change: p.Tyr641Cys; replaces tyrosine 641 with cysteine.
Molecular consequence: missense variant.
Genome position (GRCh38, 1-based): chr6:170,283,357, T>C on the plus strand (A>G on the coding strand, the complement: DLL1 is on the minus strand). VCF-style: chr6-170283357-T-C. GRCh37 (hg19) VCF-style: chr6-170592445-T-C.
Other names: short protein forms Y641C.
Identifiers: ClinVar variation 3272313 (VCV003272313.2).